The following is an entry in ClinVar:

ClinVar aggregate classification (germline): Uncertain significance (1 of 4 stars; one submission).

Conditions:
Capillary malformation-arteriovenous malformation syndrome. Also called: Capillary malformation-arteriovenous malformation. Identifiers: Orphanet 137667, MedGen C1842180, MONDO:0012016.

Allele frequency attached by ClinVar (database versions not stated): TOPMed below 0.00001.
gnomAD v4.1: 1 of 1,607,354 alleles (0.000062%); highest among the groups gnomAD compares: African/African-American, 0.0013%; no homozygotes.

Submission:

Labcorp Genetics (formerly Invitae), Labcorp
Classification: Uncertain significance for Capillary malformation-arteriovenous malformation syndrome. Last evaluated: 2024-01-25. Review status: criteria provided, single submitter. Criteria: Invitae Variant Classification Sherloc (09022015). Collection method: clinical testing. Allele origin: germline.
Comment: This sequence change replaces aspartic acid, which is acidic and polar, with glutamic acid, which is acidic and polar, at codon 251 of the RASA1 protein (p.Asp251Glu). This variant is not present in population databases (gnomAD no frequency). This variant has not been reported in the literature in individuals affected with RASA1-related conditions. An algorithm developed to predict the effect of missense changes on protein structure and function (PolyPhen-2) suggests that this variant is likely to be disruptive. In summary, the available evidence is currently insufficient to determine the role of this variant in disease. Therefore, it has been classified as a Variant of Uncertain Significance.

NM_002890.3(RASA1):c.753C>G (p.Asp251Glu)

Genes: CCNH (cyclin H; minus strand), RASA1 (RAS p21 protein activator 1; plus strand). Cytogenetic location: 5q14.3.
Variant type: single nucleotide variant.
Coding change: c.753C>G on transcript NM_002890.3 (MANE Select); coding-DNA position 753, C replaced by G.
Protein change: p.Asp251Glu; replaces aspartic acid 251 with glutamic acid.
Molecular consequence: missense variant. On other transcripts: intron variant (1).
Genome position (GRCh38, 1-based): chr5:87,332,567, C>G. VCF-style: chr5-87332567-C-G. GRCh37 (hg19) VCF-style: chr5-86628384-C-G.
Other names: c.222C>G, p.Asp74Glu (NM_022650.3); c.934-19772G>C (NM_001364075.2); short protein forms D251E, D74E.
Identifiers: ClinVar variation 2899021 (VCV002899021.3), dbSNP rs1180493926, ClinGen allele CA360377283.